The following is an entry in ClinVar:

ClinVar aggregate classification (germline): Uncertain significance (1 of 4 stars; one submission).

Allele frequency attached by ClinVar (database versions not stated): ExAC 0.00001.

Submission:

Labcorp Genetics (formerly Invitae), Labcorp
Classification: Uncertain significance. Last evaluated: 2023-08-16. Review status: criteria provided, single submitter. Criteria: Invitae Variant Classification Sherloc (09022015). Collection method: clinical testing. Allele origin: germline.
Comment: In summary, the available evidence is currently insufficient to determine the role of this variant in disease. Therefore, it has been classified as a Variant of Uncertain Significance. An algorithm developed to predict the effect of missense changes on protein structure and function (PolyPhen-2) suggests that this variant is likely to be disruptive. This variant has not been reported in the literature in individuals affected with SPPL2A-related conditions. This variant is present in population databases (rs775631091, gnomAD 0.003%). This sequence change replaces proline, which is neutral and non-polar, with serine, which is neutral and polar, at codon 79 of the SPPL2A protein (p.Pro79Ser).

NM_032802.4(SPPL2A):c.235C>T (p.Pro79Ser)

Gene: SPPL2A (signal peptide peptidase like 2A; minus strand). Cytogenetic location: 15q21.2.
Variant type: single nucleotide variant.
Coding change: c.235C>T on transcript NM_032802.4 (MANE Select); coding-DNA position 235, C replaced by T.
Protein change: p.Pro79Ser; replaces proline 79 with serine.
Molecular consequence: missense variant.
Genome position (GRCh38, 1-based): chr15:50,748,813, G>A on the plus strand (C>T on the coding strand, the complement: SPPL2A is on the minus strand). VCF-style: chr15-50748813-G-A. GRCh37 (hg19) VCF-style: chr15-51041010-G-A.
Other names: short protein forms P79S.
Identifiers: ClinVar variation 2751782 (VCV002751782.3), dbSNP rs775631091, ClinGen allele CA7558542.